The following is an entry in ClinVar:

ClinVar aggregate classification (germline): Pathogenic. Review status: criteria provided, single submitter (1 of 4 stars). 2 submissions from 2 submitters: Pathogenic (1). 1 of the submissions does not count toward it. Last evaluated 2023-06-09.

Conditions:
Niemann-Pick disease, type C1. Also called: NEUROVISCERAL STORAGE DISEASE WITH VERTICAL SUPRANUCLEAR OPHTHALMOPLEGIA; NIEMANN-PICK DISEASE WITH CHOLESTEROL ESTERIFICATION BLOCK; NIEMANN-PICK DISEASE WITHOUT SPHINGOMYELINASE DEFICIENCY; NIEMANN-PICK DISEASE, CHRONIC NEURONOPATHIC FORM; NIEMANN-PICK DISEASE, VARIANT TYPE C1. Identifiers: Orphanet 646, MedGen C3179455, MONDO:0009757, OMIM 257220.

Submissions (2):

Labcorp Genetics (formerly Invitae), Labcorp
Classification: Pathogenic for Niemann-Pick disease, type C1. Last evaluated: 2023-06-09. Review status: criteria provided, single submitter. Criteria: Invitae Variant Classification Sherloc (09022015). Collection method: clinical testing. Allele origin: germline.
Comment: ClinVar contains an entry for this variant (Variation ID: 550364). This variant has not been reported in the literature in individuals affected with NPC1-related conditions. This variant is not present in population databases (gnomAD no frequency). This sequence change creates a premature translational stop signal (p.Val378Glyfs*9) in the NPC1 gene. It is expected to result in an absent or disrupted protein product. Loss-of-function variants in NPC1 are known to be pathogenic (PMID: 9211850). For these reasons, this variant has been classified as Pathogenic.

Counsyl
Classification: Likely pathogenic for Niemann-Pick disease, type C1. Last evaluated: 2017-01-11. Review status: no assertion criteria provided. Collection method: clinical testing. Allele origin: unknown. Not counted in ClinVar's aggregate classification.

Literature cited by the submitters: PubMed 9211850 (cited by Labcorp Genetics (formerly Invitae), Labcorp).

NM_000271.5(NPC1):c.1133_1161del (p.Val378fs)

Gene: NPC1 (NPC intracellular cholesterol transporter 1; minus strand). Cytogenetic location: 18q11.2.
Variant type: Deletion.
Coding change: c.1133_1161del on transcript NM_000271.5 (MANE Select); coding-DNA positions 1133 to 1161, 29 bases deleted (TTGACCTCTGGTCAGCCCCCAGCAGCCAG).
Protein change: p.Val378fs; shifts the reading frame from valine 378.
Molecular consequence: frameshift variant.
Genome position (GRCh38, 1-based): chr18:23,556,408-23,556,436, CTGGCTGCTGGGGGCTGACCAGAGGTCAA deleted on the plus strand (TTGACCTCTGGTCAGCCCCCAGCAGCCAG on the coding strand, the reverse complement: NPC1 is on the minus strand); deleting any 29 consecutive bases within chr18:23,556,408-23,556,440 gives the same sequence; the c. name uses the placement nearest the transcript's 3' end. VCF-style (leftmost placement, unchanged base first): chr18-23556407-CCTGGCTGCTGGGGGCTGACCAGAGGTCAA-C. GRCh37 (hg19) VCF-style: chr18-21136371-CCTGGCTGCTGGGGGCTGACCAGAGGTCAA-C.
Other names: short protein forms V378fs.
Identifiers: ClinVar variation 550364 (VCV000550364.8), dbSNP rs1555637164, ClinGen allele CA658823791.